The following is an entry in ClinVar:

NM_000465.4(BARD1):c.1303G>T (p.Ala435Ser)

Gene: BARD1 (BRCA1 associated RING domain 1; minus strand). Cytogenetic location: 2q35.
Variant type: single nucleotide variant.
Coding change: c.1303G>T on transcript NM_000465.4 (MANE Select); coding-DNA position 1303, G replaced by T.
Protein change: p.Ala435Ser; replaces alanine 435 with serine.
Molecular consequence: missense variant. On other transcripts: non-coding transcript variant (2), intron variant (3).
Genome position (GRCh38, 1-based): chr2:214,780,571, C>A on the plus strand (G>T on the coding strand, the complement: BARD1 is on the minus strand). VCF-style: chr2-214780571-C-A. GRCh37 (hg19) VCF-style: chr2-215645295-C-A.
Other names: c.1246G>T, p.Ala416Ser (NM_001282543.2); c.159-28016G>T (NM_001282548.2); c.215+16490G>T (NM_001282545.2); c.364+11726G>T (NM_001282549.2); c.1303G>T (NM_000465.2); short protein forms A416S, A435S.
Identifiers: ClinVar variation 2829991 (VCV002829991.4), dbSNP rs2469500479, ClinGen allele CA350453235.

ClinVar aggregate classification (germline): Uncertain significance. Review status: criteria provided, multiple submitters, no conflicts (2 of 4 stars). 2 submissions from 2 submitters: Uncertain significance (2). Last evaluated 2025-07-16.

Conditions:
Hereditary cancer-predisposing syndrome. Also called: Neoplastic Syndromes, Hereditary; Tumor predisposition; Hereditary Cancer Syndrome; Hereditary neoplastic syndrome. Identifiers: Orphanet 140162, MedGen C0027672, MeSH D009386, MONDO:0015356.
Familial cancer of breast. Also called: hereditary breast carcinoma; BREAST CANCER, FAMILIAL; Hereditary breast cancer. Identifiers: Orphanet 227535, MedGen C0346153, MONDO:0016419, OMIM 114480. Disease mechanism: loss of function.

Submissions (2):

Ambry Genetics
Classification: Uncertain significance for Hereditary cancer-predisposing syndrome. Last evaluated: 2025-07-16. Review status: criteria provided, single submitter. Criteria: Ambry Variant Classification Scheme 2023. Collection method: clinical testing. Allele origin: germline.
Comment: The p.A435S variant (also known as c.1303G>T), located in coding exon 4 of the BARD1 gene, results from a G to T substitution at nucleotide position 1303. The alanine at codon 435 is replaced by serine, an amino acid with similar properties. This amino acid position is conserved. In addition, the in silico prediction for this alteration is inconclusive. Based on the available evidence, the clinical significance of this variant remains unclear.

Labcorp Genetics (formerly Invitae), Labcorp
Classification: Uncertain significance for Familial cancer of breast. Last evaluated: 2023-01-30. Review status: criteria provided, single submitter. Criteria: Invitae Variant Classification Sherloc (09022015). Collection method: clinical testing. Allele origin: germline.
Comment: In summary, the available evidence is currently insufficient to determine the role of this variant in disease. Therefore, it has been classified as a Variant of Uncertain Significance. Algorithms developed to predict the effect of missense changes on protein structure and function (SIFT, PolyPhen-2, Align-GVGD) all suggest that this variant is likely to be disruptive. This variant has not been reported in the literature in individuals affected with BARD1-related conditions. This variant is not present in population databases (gnomAD no frequency). This sequence change replaces alanine, which is neutral and non-polar, with serine, which is neutral and polar, at codon 435 of the BARD1 protein (p.Ala435Ser).